The following is an entry in ClinVar:

ClinVar aggregate classification (germline): Conflicting classifications of pathogenicity. Review status: criteria provided, conflicting classifications (1 of 4 stars). 6 submissions from 4 submitters: Uncertain significance (3); Likely benign (2). 1 of the submissions does not count toward it. Last evaluated 2025-11-25.

Conditions:
Acute febrile neutrophilic dermatosis (AFND). Also called: Gomm Button disease; Sweet Syndrome. Identifiers: Orphanet 3243, MedGen C0085077, MONDO:0011959, OMIM 608068.
Familial Mediterranean fever, autosomal dominant. Also called: FMF, AUTOSOMAL DOMINANT; Dominant Familial Mediterranean Fever. Identifiers: Orphanet 342, MedGen C1851347, MONDO:0007601, OMIM 134610.
Familial Mediterranean fever (FMF). Also called: POLYSEROSITIS, FAMILIAL PAROXYSMAL; POLYSEROSITIS, RECURRENT; Periodic peritonitis; Benign paroxysmal peritonitis. Identifiers: Orphanet 342, MedGen C0031069, MONDO:0018088, OMIM 249100. Disease mechanism: gain of function.

Allele frequency attached by ClinVar (database versions not stated): ExAC 0.00004; gnomAD 0.00001; gnomAD exomes 0.00003.
gnomAD v4.1: 21 of 1,614,128 alleles (0.0013%); highest among the groups gnomAD compares: East Asian, 0.0022%; no homozygotes.

Submissions (6):

Labcorp Genetics (formerly Invitae), Labcorp
Classification: Uncertain significance for Familial Mediterranean fever. Last evaluated: 2025-11-25. Review status: criteria provided, single submitter. Criteria: Invitae Variant Classification Sherloc (09022015). Collection method: clinical testing. Allele origin: germline.
Comment: This sequence change replaces valine, which is neutral and non-polar, with isoleucine, which is neutral and non-polar, at codon 704 of the MEFV protein (p.Val704Ile). This variant is present in population databases (rs104895096, gnomAD 0.007%). This missense change has been observed in individual(s) with clinical features of familial Mediterranean fever (PMID: 11464238, 16730661, 33738724, 39042260). ClinVar contains an entry for this variant (Variation ID: 97494). An algorithm developed to predict the effect of missense changes on protein structure and function outputs the following: PolyPhen-2: "Benign". The isoleucine amino acid residue is found in multiple mammalian species, which suggests that this missense change does not adversely affect protein function. In summary, the available evidence is currently insufficient to determine the role of this variant in disease. Therefore, it has been classified as a Variant of Uncertain Significance.

Genome-Nilou Lab
Classification: Uncertain significance for Familial Mediterranean fever. Last evaluated: 2023-02-08. Review status: criteria provided, single submitter. Criteria: ACMG Guidelines, 2015. Collection method: clinical testing. Allele origin: germline.

Genome-Nilou Lab
Classification: Likely benign for Familial Mediterranean fever, autosomal dominant. Last evaluated: 2023-02-08. Review status: criteria provided, single submitter. Criteria: ACMG Guidelines, 2015. Collection method: clinical testing. Allele origin: germline.

Genome-Nilou Lab
Classification: Likely benign for Acute febrile neutrophilic dermatosis. Last evaluated: 2023-02-08. Review status: criteria provided, single submitter. Criteria: ACMG Guidelines, 2015. Collection method: clinical testing. Allele origin: germline.

Mendelics
Classification: Uncertain significance for Familial Mediterranean fever. Last evaluated: 2019-05-28. Review status: criteria provided, single submitter. Criteria: Mendelics Assertion Criteria 2017. Collection method: clinical testing. Allele origin: unknown.

Unité médicale des maladies autoinflammatoires, CHRU Montpellier
No classification provided. Condition: Familial Mediterranean fever. Review status: no classification provided. Collection method: not provided. Allele origin: unknown. Not counted in ClinVar's aggregate classification.

Literature cited by the submitters: PubMed 11464238 (cited by Labcorp Genetics (formerly Invitae), Labcorp); PubMed 16730661 (cited by Labcorp Genetics (formerly Invitae), Labcorp); PubMed 33738724 (cited by Labcorp Genetics (formerly Invitae), Labcorp); PubMed 39042260 (cited by Labcorp Genetics (formerly Invitae), Labcorp).

NM_000243.3(MEFV):c.2110G>A (p.Val704Ile)

Genes: MEFV (MEFV innate immunity regulator, pyrin; minus strand), LOC126862264 (CDK7 strongly-dependent group 2 enhancer GRCh37_chr16:3293322-3294521; plus strand). Cytogenetic location: 16p13.3.
Variant type: single nucleotide variant.
Coding change: c.2110G>A on transcript NM_000243.3 (MANE Select); coding-DNA position 2110, G replaced by A.
Protein change: p.Val704Ile; replaces valine 704 with isoleucine.
Molecular consequence: missense variant. On other transcripts: 3 prime UTR variant (1).
Genome position (GRCh38, 1-based): chr16:3,243,377, C>T on the plus strand (G>A on the coding strand, the complement: MEFV is on the minus strand). VCF-style: chr16-3243377-C-T. GRCh37 (hg19) VCF-style: chr16-3293377-C-T.
Other names: c.*314G>A (NM_001198536.2); short protein forms V704I.
Identifiers: ClinVar variation 97494 (VCV000097494.6), dbSNP rs104895096, ClinGen allele CA280526.